The following is an entry in ClinVar:

ClinVar aggregate classification (germline): Uncertain significance (1 of 4 stars; one submission).

Conditions:
Familial encephalopathy with neuroserpin inclusion bodies. Also called: ENCEPHALOPATHY, FAMILIAL, WITH COLLINS BODIES. Identifiers: Orphanet 85110, MedGen C1858680, MONDO:0011412, OMIM 604218.

Submission:

Labcorp Genetics (formerly Invitae), Labcorp
Classification: Uncertain significance for Familial encephalopathy with neuroserpin inclusion bodies. Last evaluated: 2023-03-08. Review status: criteria provided, single submitter. Criteria: Invitae Variant Classification Sherloc (09022015). Collection method: clinical testing. Allele origin: germline.
Comment: In summary, the available evidence is currently insufficient to determine the role of this variant in disease. Therefore, it has been classified as a Variant of Uncertain Significance. This variant has not been reported in the literature in individuals affected with SERPINI1-related conditions. This variant is not present in population databases (gnomAD no frequency). This variant, c.809_835dup, results in the insertion of 9 amino acid(s) of the SERPINI1 protein (p.Leu270_Glu278dup), but otherwise preserves the integrity of the reading frame.

NM_001122752.2(SERPINI1):c.809_835dup (p.Glu278_Trp279insLeuValLysAlaGlnLeuValGluGlu)

Gene: SERPINI1 (serpin family I member 1; plus strand). Cytogenetic location: 3q26.1.
Variant type: Duplication.
Coding change: c.809_835dup on transcript NM_001122752.2 (MANE Select); coding-DNA positions 809 to 835, 27 bases duplicated (TAGTCAAAGCACAGCTGGTTGAAGAAT).
Protein change: p.Glu278_Trp279insLeuValLysAlaGlnLeuValGluGlu.
Molecular consequence: inframe insertion.
Genome position (GRCh38, 1-based): chr3:167,794,752-167,794,778, TAGTCAAAGCACAGCTGGTTGAAGAAT duplicated; duplicating any 27 consecutive bases within chr3:167,794,750-167,794,778 gives the same sequence; the c. name uses the placement nearest the transcript's 3' end. VCF-style (leftmost placement, unchanged base first): chr3-167794749-C-CATTAGTCAAAGCACAGCTGGTTGAAGA. GRCh37 (hg19) VCF-style: chr3-167512537-C-CATTAGTCAAAGCACAGCTGGTTGAAGA.
Other names: c.809_835dup, p.Glu278_Trp279insLeuValLysAlaGlnLeuValGluGlu (NM_005025.5).
Identifiers: ClinVar variation 2844156 (VCV002844156.3), dbSNP rs2476235907, ClinGen allele CA2668450908.